The following is an entry in ClinVar:

ClinVar aggregate classification (germline): Likely benign. Review status: criteria provided, single submitter (1 of 4 stars). 2 submissions from 2 submitters: Likely benign (1). 1 of the submissions does not count toward it. Last evaluated 2022-10-12.

Conditions:
ANKRD11-related disorder. Also called: ANKRD11-related condition.
KBG syndrome (KBGS). Also called: ANKRD11-Related KBG Syndrome. Identifiers: Orphanet 2332, MedGen C0220687, MONDO:0007846, OMIM 148050.

Allele frequency attached by ClinVar (database versions not stated): TOPMed below 0.00001; ExAC 0.00001; gnomAD exomes 0.00001.
gnomAD v4.1: 8 of 1,612,720 alleles (0.0005%); highest among the groups gnomAD compares: Admixed American, 0.0033%; no homozygotes.

Submissions (2):

Labcorp Genetics (formerly Invitae), Labcorp
Classification: Likely benign for KBG syndrome. Last evaluated: 2022-10-12. Review status: criteria provided, single submitter. Criteria: Invitae Variant Classification Sherloc (09022015). Collection method: clinical testing. Allele origin: germline.

PreventionGenetics, part of Exact Sciences
Classification: Likely benign for ANKRD11-related condition. Last evaluated: 2021-05-17. Review status: no assertion criteria provided. Collection method: clinical testing. Allele origin: germline. Not counted in ClinVar's aggregate classification.
Comment: This variant is classified as likely benign based on ACMG/AMP sequence variant interpretation guidelines (Richards et al. 2015 PMID: 25741868, with internal and published modifications).

NM_013275.6(ANKRD11):c.6426C>T (p.Pro2142=)

Gene: ANKRD11 (ankyrin repeat domain 11; minus strand). Cytogenetic location: 16q24.3.
Variant type: single nucleotide variant.
Coding change: c.6426C>T on transcript NM_013275.6 (MANE Select); coding-DNA position 6426, C replaced by T.
Protein change: p.Pro2142=; no amino-acid change (proline 2142 retained).
Molecular consequence: synonymous variant.
Genome position (GRCh38, 1-based): chr16:89,280,116, G>A on the plus strand (C>T on the coding strand, the complement: ANKRD11 is on the minus strand). VCF-style: chr16-89280116-G-A. GRCh37 (hg19) VCF-style: chr16-89346524-G-A.
Other names: c.6426C>T (NM_013275.5); c.6426C>T, p.Pro2142= (NM_001256182.2, NM_001256183.2).
Identifiers: ClinVar variation 2012832 (VCV002012832.6), dbSNP rs750583082, ClinGen allele CA8241451.